The following is an entry in ClinVar:

ClinVar aggregate classification (germline): Pathogenic (1 of 4 stars; one submission).

Conditions:
Hereditary hemorrhagic telangiectasia (HHT). Also called: ORW DISEASE; Osler Weber Rendu syndrome; OSLER-RENDU-WEBER DISEASE; Osler hemorrhagic telangiectasia syndrome. Identifiers: Orphanet 774, MedGen C0039445, MONDO:0019180. Disease mechanism: loss of function.

Submission:

Labcorp Genetics (formerly Invitae), Labcorp
Classification: Pathogenic for Hereditary hemorrhagic telangiectasia. Last evaluated: 2022-04-18. Review status: criteria provided, single submitter. Criteria: Invitae Variant Classification Sherloc (09022015). Collection method: clinical testing. Allele origin: germline.
Comment: For these reasons, this variant has been classified as Pathogenic. Algorithms developed to predict the effect of sequence changes on RNA splicing suggest that this variant may disrupt the consensus splice site. Disruption of this splice site has been observed in individuals with hereditary hemorrhagic telangiectasia (PMID: 15024723; Invitae). This variant is not present in population databases (gnomAD no frequency). This sequence change affects an acceptor splice site in intron 1 of the ENG gene. It is expected to disrupt RNA splicing. Variants that disrupt the donor or acceptor splice site typically lead to a loss of protein function (PMID: 16199547), and loss-of-function variants in ENG are known to be pathogenic (PMID: 15879500).

Literature cited by the submitters: PubMed 15024723; PubMed 16199547; PubMed 15879500.

NM_001114753.3(ENG):c.68-2A>T

Gene: ENG (endoglin; minus strand). Cytogenetic location: 9q34.11.
Variant type: single nucleotide variant.
Coding change: c.68-2A>T on transcript NM_001114753.3 (MANE Select); the canonical splice acceptor site of the intron before coding-DNA position 68, A replaced by T.
Molecular consequence: splice acceptor variant.
Genome position (GRCh38, 1-based): chr9:127,843,247, T>A on the plus strand (A>T on the coding strand, the complement: ENG is on the minus strand). VCF-style: chr9-127843247-T-A. GRCh37 (hg19) VCF-style: chr9-130605526-T-A.
Other names: c.68-2A>T (NM_000118.4, NM_001406715.1); c.-479-2A>T (NM_001278138.2).
Identifiers: ClinVar variation 2127853 (VCV002127853.4), dbSNP rs2539107745, ClinGen allele CA374989224.